The following is an entry in ClinVar:

NM_025099.6(CTC1):c.2472del (p.Ala825fs)

Gene: CTC1 (CST telomere replication complex component 1; minus strand). Cytogenetic location: 17p13.1.
Variant type: Deletion.
Coding change: c.2472del on transcript NM_025099.6 (MANE Select); coding-DNA position 2472, one base deleted (C; older notation c.2472delC).
Protein change: p.Ala825fs; shifts the reading frame from alanine 825.
Molecular consequence: frameshift variant. On other transcripts: non-coding transcript variant (1).
Genome position (GRCh38, 1-based): chr17:8,231,729, G deleted on the plus strand (C on the coding strand, the reverse complement: CTC1 is on the minus strand); the first of 4 consecutive G bases (chr17:8,231,729-8,231,732); deleting any one gives the same sequence. VCF-style (leftmost placement, unchanged base first): chr17-8231728-CG-C. GRCh37 (hg19) VCF-style: chr17-8135046-CG-C.
Other names: c.2472del, p.Ala825fs (NM_001411067.1); short protein forms A825fs.
Identifiers: ClinVar variation 2709416 (VCV002709416.3), dbSNP rs2507894027, ClinGen allele CA2697559402.

ClinVar aggregate classification (germline): Pathogenic (1 of 4 stars; one submission).

Conditions:
Dyskeratosis congenita. Identifiers: Orphanet 1775, MedGen C0265965, MONDO:0015780.

Submission:

Labcorp Genetics (formerly Invitae), Labcorp
Classification: Pathogenic for Dyskeratosis congenita. Last evaluated: 2024-01-14. Review status: criteria provided, single submitter. Criteria: Invitae Variant Classification Sherloc (09022015). Collection method: clinical testing. Allele origin: germline.
Comment: This sequence change creates a premature translational stop signal (p.Ala825Leufs*59) in the CTC1 gene. It is expected to result in an absent or disrupted protein product. Loss-of-function variants in CTC1 are known to be pathogenic (PMID: 22267198, 22387016). This variant is not present in population databases (gnomAD no frequency). This variant has not been reported in the literature in individuals affected with CTC1-related conditions. For these reasons, this variant has been classified as Pathogenic.

Literature cited by the submitters: PubMed 22267198; PubMed 22387016.